The following is an entry in ClinVar:

NM_030962.4(SBF2):c.3457T>C (p.Tyr1153His)

Gene: SBF2 (SET binding factor 2; minus strand). Cytogenetic location: 11p15.4.
Variant type: single nucleotide variant.
Coding change: c.3457T>C on transcript NM_030962.4 (MANE Select); coding-DNA position 3457, T replaced by C.
Protein change: p.Tyr1153His; replaces tyrosine 1153 with histidine.
Molecular consequence: missense variant.
Genome position (GRCh38, 1-based): chr11:9,832,419, A>G on the plus strand (T>C on the coding strand, the complement: SBF2 is on the minus strand). VCF-style: chr11-9832419-A-G. GRCh37 (hg19) VCF-style: chr11-9853966-A-G.
Other names: c.3457T>C, p.Tyr1153His (NM_001386339.1); c.3328T>C, p.Tyr1110His (NM_001386342.1); short protein forms Y1153H, Y1110H.
Identifiers: ClinVar variation 403854 (VCV000403854.9), dbSNP rs1060499998, ClinGen allele CA16613721.

ClinVar aggregate classification (germline): Uncertain significance (1 of 4 stars; one submission).

Conditions:
Charcot-Marie-Tooth disease type 4. Also called: Charcot-Marie-Tooth disease, type IV; Charcot-Marie-Tooth, Type 4. Identifiers: Orphanet 64749, MedGen C4082197, MONDO:0018995.

Submission:

Labcorp Genetics (formerly Invitae), Labcorp
Classification: Uncertain significance for Charcot-Marie-Tooth disease type 4. Last evaluated: 2016-10-24. Review status: criteria provided, single submitter. Criteria: Invitae Variant Classification Sherloc (09022015). Collection method: clinical testing. Allele origin: germline.
Comment: This finding is consistent with autosomal recessive inheritance, and suggests that this variant contributes to disease. In summary, this variant is a rare missense change with uncertain impact on protein function. While it is absent from the population and been observed in an affected individual, the available evidence is currently insufficient to determine its role in disease. Therefore, it has been classified as a Variant of Uncertain Significance. Algorithms developed to predict the effect of missense changes on protein structure and function do not agree on the potential impact of this missense change (SIFT: "Deleterious"; PolyPhen-2: "Probably Damaging"; Align-GVGD: "Class C0"). This variant is not present in population databases (ExAC no frequency). This sequence change replaces tyrosine with histidine at codon 1153 of the SBF2 protein (p.Tyr1153His). The tyrosine residue is highly conserved and there is a moderate physicochemical difference between tyrosine and histidine.